The following is an entry in ClinVar:

NM_001844.5(COL2A1):c.4464A>T (p.Ter1488Tyr)

Gene: COL2A1 (collagen type II alpha 1 chain; minus strand). Cytogenetic location: 12q13.11.
Variant type: single nucleotide variant.
Coding change: c.4464A>T on transcript NM_001844.5 (MANE Select); coding-DNA position 4464, A replaced by T.
Protein change: p.Ter1488Tyr.
Molecular consequence: stop lost.
Genome position (GRCh38, 1-based): chr12:47,973,407, T>A on the plus strand (A>T on the coding strand, the complement: COL2A1 is on the minus strand). VCF-style: chr12-47973407-T-A. GRCh37 (hg19) VCF-style: chr12-48367190-T-A.
Other names: c.4257A>T, p.Ter1419Tyr (NM_033150.3).
Identifiers: ClinVar variation 1705711 (VCV001705711.2), dbSNP rs2540090973, ClinGen allele CA384533061.

ClinVar aggregate classification (germline): Uncertain significance. Review status: criteria provided, multiple submitters, no conflicts (2 of 4 stars). 2 submissions from 2 submitters: Uncertain significance (2). Last evaluated 2026-07-08.

Conditions:
Stickler syndrome. Identifiers: Orphanet 828, MedGen C0265253, MONDO:0019354.
Stickler syndrome, type I, nonsyndromic ocular. Also called: STICKLER SYNDROME, TYPE I, PREDOMINANTLY OCULAR; STICKLER SYNDROME, ATYPICAL. Identifiers: MedGen C1836080, MONDO:0012287, OMIM 609508.

Submissions (2):

Cambridge Genomics Laboratory, East Genomic Laboratory Hub, NHS Genomic Medicine Service
Classification: Uncertain significance for Stickler syndrome. Last evaluated: 2026-07-08. Review status: criteria provided, single submitter. Criteria: ACGS Best Practice Guidelines for Variant Classification in Rare Disease 2020. Collection method: clinical testing. Allele origin: germline. Affected: yes.
Comment: PM2,PM4

3billion
Classification: Uncertain significance for Stickler syndrome, type I, nonsyndromic ocular. Last evaluated: 2022-09-01. Review status: criteria provided, single submitter. Criteria: ACMG Guidelines, 2015. Collection method: clinical testing. Allele origin: germline. Affected: yes. Observed: 1 heterozygote.
Comment: The variant is not observed in the gnomAD v2.1.1 dataset. Stop lost variant. The evidence of pathogenicity is insufficient at this time. Therefore, this variant is classified as uncertain significance according to the recommendation of ACMG/AMP guideline.